The following is an entry in ClinVar:

NM_001605.3(AARS1):c.963A>G (p.Gly321=)

Gene: AARS1 (alanyl-tRNA synthetase 1; minus strand). Cytogenetic location: 16q22.1.
Variant type: single nucleotide variant.
Coding change: c.963A>G on transcript NM_001605.3 (MANE Select); coding-DNA position 963, A replaced by G.
Protein change: p.Gly321=; no amino-acid change (glycine 321 retained).
Molecular consequence: synonymous variant.
Genome position (GRCh38, 1-based): chr16:70,268,379, T>C on the plus strand (A>G on the coding strand, the complement: AARS1 is on the minus strand). VCF-style: chr16-70268379-T-C. GRCh37 (hg19) VCF-style: chr16-70302282-T-C.
Identifiers: ClinVar variation 1682262 (VCV001682262.6), dbSNP rs775592737, ClinGen allele CA8140962.

ClinVar aggregate classification (germline): Uncertain significance (1 of 4 stars; one submission).

Conditions:
Charcot-Marie-Tooth disease type 2. Also called: Charcot-Marie-Tooth type 2. Identifiers: Orphanet 64746, MedGen C0270914, MONDO:0018993.

Allele frequency attached by ClinVar (database versions not stated): gnomAD exomes 0.00001; ExAC 0.00001.
gnomAD v4.1: 16 of 1,613,960 alleles (0.00099%); highest among the groups gnomAD compares: East Asian, 0.029%; no homozygotes.

Submission:

Labcorp Genetics (formerly Invitae), Labcorp
Classification: Uncertain significance for Charcot-Marie-Tooth disease type 2. Last evaluated: 2025-06-27. Review status: criteria provided, single submitter. Criteria: Invitae Variant Classification Sherloc (09022015). Collection method: clinical testing. Allele origin: germline.
Comment: This sequence change affects codon 321 of the AARS mRNA. It is a 'silent' change, meaning that it does not change the encoded amino acid sequence of the AARS protein. It affects a nucleotide within the consensus splice site. This variant is present in population databases (rs775592737, gnomAD 0.006%). This variant has not been reported in the literature in individuals affected with AARS-related conditions. ClinVar contains an entry for this variant (Variation ID: 1682262). Algorithms developed to predict the effect of sequence changes on RNA splicing suggest that this variant is not likely to affect RNA splicing. In summary, the available evidence is currently insufficient to determine the role of this variant in disease. Therefore, it has been classified as a Variant of Uncertain Significance.